The following is an entry in ClinVar:

NM_173660.5(DOK7):c.483_484dup (p.Ala162fs)

Gene: DOK7 (docking protein 7; plus strand). Cytogenetic location: 4p16.3.
Variant type: Duplication.
Coding change: c.483_484dup on transcript NM_173660.5 (MANE Select); coding-DNA positions 483 to 484, 2 bases duplicated (GG; older notation c.483_484dupGG).
Protein change: p.Ala162fs; shifts the reading frame from alanine 162.
Molecular consequence: frameshift variant. On other transcripts: intron variant (1).
Genome position (GRCh38, 1-based): chr4:3,476,493-3,476,494, GG duplicated; duplicating any 2 consecutive bases within chr4:3,476,491-3,476,494 gives the same sequence; the c. name uses the placement nearest the transcript's 3' end. VCF-style (leftmost placement, unchanged base first): chr4-3476490-C-CGG. GRCh37 (hg19) VCF-style: chr4-3478217-C-CGG.
Other names: c.483_484dup, p.Ala162fs (NM_001164673.2, NM_001301071.2); c.101-9046_101-9045dup (NM_001363811.2); short protein forms A162fs.
Identifiers: ClinVar variation 812703 (VCV000812703.5), dbSNP rs1577153124, ClinGen allele CA915944114.

ClinVar aggregate classification (germline): Pathogenic (1 of 4 stars; one submission).

Conditions:
Congenital myasthenic syndrome 10. Also called: Myasthenia, limb-girdle, familial. Identifiers: Orphanet 590, MedGen C1850792, MONDO:0009690, OMIM 254300.

Submission:

Diagnostics Services (NGS), CSIR - Centre For Cellular And Molecular Biology
Classification: Pathogenic for Congenital myasthenic syndrome 10. Last evaluated: 2020-02-07. Review status: criteria provided, single submitter. Criteria: ACMG Guidelines, 2015. Collection method: clinical testing. Allele origin: unknown. Inheritance: Autosomal recessive inheritance. Affected: yes.
Comment: The c.483_484dup variant is not present in publicly available databases like 1000 Genomes, EVS, ExAC, gnomAD and dbSNP. The variant is also not present in our in-house exome database. The variant was not reported earlier to OMIM, ClinVar or HGMD databases. In-silico pathogenicity prediction programs MutationTaster2, CADD etc. predicted this variant as likely deleterious. The variant was observed in compound heterozygous state with a known pathogenic variant c.1124_1127dup (ClinVar Accession ID: VCV000001273.4). The variant has been classified as pathogenic as per ACMG guidelines.